The following is an entry in ClinVar:

NM_007046.4(EMILIN1):c.1333C>T (p.Arg445Ter)

Gene: EMILIN1 (elastin microfibril interfacer 1; plus strand). Cytogenetic location: 2p23.3.
Variant type: single nucleotide variant.
Coding change: c.1333C>T on transcript NM_007046.4 (MANE Select); coding-DNA position 1333, C replaced by T.
Protein change: p.Arg445Ter; replaces arginine 445 with a stop codon.
Molecular consequence: nonsense.
Genome position (GRCh38, 1-based): chr2:27,082,904, C>T. VCF-style: chr2-27082904-C-T. GRCh37 (hg19) VCF-style: chr2-27305772-C-T.
Other names: short protein forms R445*.
Identifiers: ClinVar variation 4845901 (VCV004845901.1).

ClinVar aggregate classification (germline): Likely pathogenic (1 of 4 stars; one submission).

Conditions:
Arterial tortuosity-bone fragility syndrome. Identifiers: MedGen C5935641, MONDO:0971179, OMIM 620908.

gnomAD v4.1: 8 of 1,595,066 alleles (0.0005%); highest among the groups gnomAD compares: Non-Finnish European, 0.00059%; no homozygotes.

Submission:

First Genomix Gene Laboratory, Genetic Diagnostics Department
Classification: Likely pathogenic for Arterial tortuosity-bone fragility syndrome. Last evaluated: 2025-05-08. Review status: criteria provided, single submitter. Criteria: ACMG Guidelines, 2015. Collection method: clinical testing. Allele origin: germline. Inheritance: Autosomal recessive inheritance. Affected: no. Observed: 1 variant allele.